The following is an entry in ClinVar:

ClinVar aggregate classification (germline): Likely pathogenic (1 of 4 stars; one submission).

Conditions:
Usher syndrome type 1D (USH1D). Also called: USHER SYNDROME, TYPE ID. Identifiers: Orphanet 231169, Orphanet 886, MedGen C1832845, MONDO:0010984, OMIM 601067.

Submission:

Myriad Genetics, Inc.
Classification: Likely pathogenic for Usher syndrome type 1D. Last evaluated: 2022-01-02. Review status: criteria provided, single submitter. Criteria: Myriad Women's Health Autosomal Recessive and X-Linked Classification Criteria (2021). Collection method: clinical testing. Allele origin: unknown.
Comment: NM_033056.3(PCDH15):c.738_739insT(T247Yfs*14) is expected to be pathogenic in the context of PCDH15-related disorders. This variant is predicted to lead to an abnormal or absent protein product due to the creation of a premature termination codon in PCDH15, a gene where loss-of-function variants are known to be pathogenic. Please note: this variant was assessed in the context of healthy population screening.

NM_001384140.1(PCDH15):c.738_739insT (p.Thr247fs)

Gene: PCDH15 (protocadherin related 15; minus strand). Cytogenetic location: 10q21.1.
Variant type: Insertion.
Coding change: c.738_739insT on transcript NM_001384140.1 (MANE Select); coding-DNA positions 738 to 739, T inserted.
Protein change: p.Thr247fs; shifts the reading frame from threonine 247.
Molecular consequence: frameshift variant.
Genome position: GRCh38 VCF-style: chr10-54317408-T-TA. GRCh37 (hg19) VCF-style: chr10-56077168-T-TA.
Other names: c.753_754insT, p.Thr252fs (NM_001142763.2, NM_001142771.2); c.738_739insT, p.Thr247fs (NM_001142764.2, NM_001142765.2, NM_001142766.2 and 7 more transcripts); c.627_628insT, p.Thr210fs (NM_001142767.2); c.672_673insT, p.Thr225fs (NM_001142768.2, NM_001142773.2, NM_001354404.2); c.753_754insT, p.Thr252Tyrfs (NM_001142769.4); short protein forms T210fs, T225fs, T247fs, T252fs.
Identifiers: ClinVar variation 1726950 (VCV001726950.2), dbSNP rs2541282849, ClinGen allele CA2580081655.